The following is an entry in ClinVar:

NM_004370.6(COL12A1):c.7936G>A (p.Gly2646Arg)

Gene: COL12A1 (collagen type XII alpha 1 chain; minus strand). Cytogenetic location: 6q13.
Variant type: single nucleotide variant.
Coding change: c.7936G>A on transcript NM_004370.6 (MANE Select); coding-DNA position 7936, G replaced by A.
Protein change: p.Gly2646Arg; replaces glycine 2646 with arginine.
Molecular consequence: missense variant.
Genome position (GRCh38, 1-based): chr6:75,113,218, C>T on the plus strand (G>A on the coding strand, the complement: COL12A1 is on the minus strand). VCF-style: chr6-75113218-C-T. GRCh37 (hg19) VCF-style: chr6-75822934-C-T.
Other names: c.4444G>A, p.Gly1482Arg (NM_080645.3); short protein forms G1482R, G2646R.
Identifiers: ClinVar variation 1697077 (VCV001697077.3), dbSNP rs779477270, ClinGen allele CA3892426.
Genomic context (GRCh38, chr6:75,113,218, plus strand): 5'-TATATTTTTTTCTAGAAATAAGACTCAAATAATCTTATGTTTTTACCTTGTGAAAACTTC[C>T]ATAAAATAATGTCTTTACTTCTTCTGTGTCAAATGTAACAGTTTGCACCTCGCCTCTTGT-3'
Protein context (NP_004361.3, residues 2636-2656): DTEEVKTLFY[Gly2646Arg]SFHKVHIVVT

ClinVar aggregate classification (germline): Uncertain significance (1 of 4 stars; one submission).

Allele frequency attached by ClinVar (database versions not stated): gnomAD exomes below 0.00001; ExAC 0.00001.
gnomAD v4.1: 1 of 1,543,236 alleles (0.000065%); highest among the groups gnomAD compares: Non-Finnish European, 0.000087%; no homozygotes.

Submission:

GeneDx
Classification: Uncertain significance. Last evaluated: 2022-08-22. Review status: criteria provided, single submitter. Criteria: GeneDx Variant Classification Process June 2021. Collection method: clinical testing. Allele origin: germline. Affected: yes.
Comment: Not observed at significant frequency in large population cohorts (gnomAD); In silico analysis supports that this missense variant has a deleterious effect on protein structure/function; Has not been previously published as pathogenic or benign to our knowledge